The following is an entry in ClinVar:

ClinVar aggregate classification (germline): Conflicting classifications of pathogenicity. Review status: criteria provided, conflicting classifications (1 of 4 stars). 3 submissions from 3 submitters: Likely pathogenic (2); Uncertain significance (1). Last evaluated 2024-03-21.

Conditions:
Mucopolysaccharidosis, MPS-IV-A (MPS4A). Also called: Mucopolysaccharidosis type IV A; Mucopolysaccharidosis Type IVA; Morquio syndrome A, mild; MORQUIO SYNDROME A; MPS IVA; mucopolysaccharidosis type 4A. Identifiers: Orphanet 309297, Orphanet 582, MedGen C0086651, MONDO:0009659, OMIM 253000.
Morquio syndrome. Also called: Mucopolysaccharidosis, Type IV; MPS IV; Mucopolysaccharidosis type 4; Eccentrochondrodysplasia. Identifiers: Orphanet 582, MedGen C0026707, MONDO:0018938.

Submissions (3):

Fulgent Genetics
Classification: Likely pathogenic for Mucopolysaccharidosis, MPS-IV-A. Last evaluated: 2024-03-21. Review status: criteria provided, single submitter. Criteria: ACMG Guidelines, 2015. Collection method: clinical testing. Allele origin: germline.

Women's Health and Genetics/Laboratory Corporation of America, LabCorp
Classification: Likely pathogenic for Morquio syndrome. Last evaluated: 2024-03-21. Review status: criteria provided, single submitter. Criteria: LabCorp Variant Classification Summary - May 2015. Collection method: clinical testing. Allele origin: germline.
Comment: Variant summary: GALNS c.1354T>C (p.Phe452Leu) results in a non-conservative amino acid change in the encoded protein sequence. Three of five in-silico tools predict a benign effect of the variant on protein function. The variant was absent in 249752 control chromosomes (gnomAD). c.1354T>C has been reported in the literature as a biallelic genotype in individuals affected with Mucopolysaccharidosis Type IVA (Morquio Syndrome A) (e.g. Wang_2010, Yi_2022). These data indicate that the variant is likely to be associated with disease. To our knowledge, no experimental evidence demonstrating an impact on protein function has been reported. The following publications have been ascertained in the context of this evaluation (PMID: 20574428, 35212421). ClinVar contains an entry for this variant (Variation ID: 1048506). Based on the evidence outlined above, the variant was classified as likely pathogenic.

Laboratory of Diagnosis and Therapy of Lysosomal Disorders, University of Padova
Classification: Uncertain significance for Mucopolysaccharidosis, MPS-IV-A. Last evaluated: 2021-02-01. Review status: criteria provided, single submitter. Criteria: ACMG Guidelines, 2015. Collection method: curation. Allele origin: germline. Affected: yes.
Comment: Absent from gnomAD v2.1.1 (PM2_moderate)

Literature cited by the submitters: PubMed 20574428 (cited by Women's Health and Genetics/Laboratory Corporation of America, LabCorp and Laboratory of Diagnosis and Therapy of Lysosomal Disorders, University of Padova); PubMed 35212421 (cited by Women's Health and Genetics/Laboratory Corporation of America, LabCorp); PubMed 24120057 (cited by Laboratory of Diagnosis and Therapy of Lysosomal Disorders, University of Padova); PubMed 34387910 (cited by Laboratory of Diagnosis and Therapy of Lysosomal Disorders, University of Padova).

NM_000512.5(GALNS):c.1354T>C (p.Phe452Leu)

Gene: GALNS (galactosamine (N-acetyl)-6-sulfatase; minus strand). Cytogenetic location: 16q24.3.
Variant type: single nucleotide variant.
Coding change: c.1354T>C on transcript NM_000512.5 (MANE Select); coding-DNA position 1354, T replaced by C.
Protein change: p.Phe452Leu; replaces phenylalanine 452 with leucine.
Molecular consequence: missense variant.
Genome position (GRCh38, 1-based): chr16:88,822,599, A>G on the plus strand (T>C on the coding strand, the complement: GALNS is on the minus strand). VCF-style: chr16-88822599-A-G. GRCh37 (hg19) VCF-style: chr16-88889007-A-G.
Other names: c.799T>C, p.Phe267Leu (NM_001323543.2); c.1372T>C, p.Phe458Leu (NM_001323544.2); short protein forms F267L, F452L, F458L.
Identifiers: ClinVar variation 1048506 (VCV001048506.6), dbSNP rs398123432, ClinGen allele CA397095899.